The following is an entry in ClinVar:

ClinVar aggregate classification (germline): Conflicting classifications of pathogenicity. Review status: criteria provided, conflicting classifications (1 of 4 stars). 7 submissions from 6 submitters: Uncertain significance (1); Benign (3); Likely benign (1). 2 of the submissions do not count toward it. Last evaluated 2026-01-01.

Conditions:
Retinal dystrophy. Also called: Inherited retinal dystrophy. Identifiers: Orphanet 71862, MedGen C0854723, MeSH D058499, MONDO:0019118, HP:0000556.
Retinitis pigmentosa (RP). Identifiers: Orphanet 791, MedGen C0035334, MeSH D012174, MONDO:0019200, OMIM 268000. Inheritance: Autosomal dominant, autosomal recessive and X linked inheritance.
Leber congenital amaurosis 11 (LCA11). Identifiers: Orphanet 65, MedGen C1840284, MONDO:0013454, OMIM 613837.

Allele frequency attached by ClinVar (database versions not stated): ESP Exome Variant Server 0.00008; gnomAD 0.00013 and 0.00022; gnomAD exomes 0.00029 and 0.00054; TOPMed 0.00031; ExAC 0.00055; 1000 Genomes Project 30x 0.00078; 1000 Genomes Project 0.00100.

Submissions (7):

Labcorp Genetics (formerly Invitae), Labcorp
Classification: Benign. Last evaluated: 2026-01-01. Review status: criteria provided, single submitter. Criteria: Invitae Variant Classification Sherloc (09022015). Collection method: clinical testing. Allele origin: germline.

Blueprint Genetics
Classification: Likely benign. Last evaluated: 2024-10-17. Review status: criteria provided, single submitter. Criteria: ACMG Guidelines, 2015. Collection method: clinical testing. Allele origin: germline.

Dept Of Ophthalmology, Nagoya University
Classification: Benign for Retinal dystrophy. Last evaluated: 2023-10-01. Review status: criteria provided, single submitter. Criteria: Submitter's publication. Collection method: research. Allele origin: germline. Affected: yes.

Illumina Laboratory Services, Illumina
Classification: Uncertain significance for Leber congenital amaurosis 11. Last evaluated: 2017-04-27. Review status: criteria provided, single submitter. Criteria: ICSL Variant Classification Criteria 13 December 2019. Collection method: clinical testing. Allele origin: germline.
Comment: This variant was observed as part of a predisposition screen in an ostensibly healthy population. A literature search was performed for the gene, cDNA change, and amino acid change (where applicable). Publications were found based on this search. However, the evidence from the literature, in combination with allele frequency data from public databases where available, was not sufficient to rule this variant in or out of causing disease. Therefore, this variant is classified as a variant of unknown significance.

Illumina Laboratory Services, Illumina
Classification: Benign for Retinitis pigmentosa. Last evaluated: 2017-04-27. Review status: criteria provided, single submitter. Criteria: ICSL Variant Classification Criteria 13 December 2019. Collection method: clinical testing. Allele origin: germline.
Comment: This variant was observed as part of a predisposition screen in an ostensibly healthy population. A literature search was performed for the gene, cDNA change, and amino acid change (where applicable). No publications were found based on this search. Allele frequency data from public databases was too high to be consistent with this variant causing disease. Therefore, this variant is classified as benign.

Clinical Genetics DNA and cytogenetics Diagnostics Lab, Erasmus MC, Erasmus Medical Center
Classification: Likely benign. Review status: no assertion criteria provided. Collection method: clinical testing. Allele origin: germline. Affected: yes. Study: VKGL Data-share Consensus. Not counted in ClinVar's aggregate classification.

Clinical Genetics, Academic Medical Center
Classification: Benign. Review status: no assertion criteria provided. Collection method: clinical testing. Allele origin: germline. Affected: yes. Study: VKGL Data-share Consensus. Not counted in ClinVar's aggregate classification.

Literature cited by the submitters: PubMed 20045992 (cited by Illumina Laboratory Services, Illumina).

NM_000883.4(IMPDH1):c.930C>T (p.Thr310=)

Gene: IMPDH1 (inosine monophosphate dehydrogenase 1; minus strand). Cytogenetic location: 7q32.1.
Variant type: single nucleotide variant.
Coding change: c.930C>T on transcript NM_000883.4 (MANE Select); coding-DNA position 930, C replaced by T.
Protein change: p.Thr310=; no amino-acid change (threonine 310 retained).
Molecular consequence: synonymous variant.
Genome position (GRCh38, 1-based): chr7:128,398,558, G>A on the plus strand (C>T on the coding strand, the complement: IMPDH1 is on the minus strand). VCF-style: chr7-128398558-G-A. GRCh37 (hg19) VCF-style: chr7-128038612-G-A.
Other names: c.900C>T, p.Thr300= (NM_001102605.2); c.675C>T, p.Thr225= (NM_001142573.2); c.660C>T, p.Thr220= (NM_001142574.2); c.600C>T, p.Thr200= (NM_001142575.2); c.831C>T, p.Thr277= (NM_001142576.2); c.723C>T, p.Thr241= (NM_001304521.2); c.822C>T, p.Thr274= (NM_183243.3).
Identifiers: ClinVar variation 772300 (VCV000772300.19), dbSNP rs150531977, ClinGen allele CA4470984.